The following is an entry in ClinVar:

NM_004655.4(AXIN2):c.652C>G (p.Leu218Val)

Gene: AXIN2 (axin 2; minus strand). Cytogenetic location: 17q24.1.
Variant type: single nucleotide variant.
Coding change: c.652C>G on transcript NM_004655.4 (MANE Select); coding-DNA position 652, C replaced by G.
Protein change: p.Leu218Val; replaces leucine 218 with valine.
Molecular consequence: missense variant.
Genome position (GRCh38, 1-based): chr17:65,557,969, G>C on the plus strand (C>G on the coding strand, the complement: AXIN2 is on the minus strand). VCF-style: chr17-65557969-G-C. GRCh37 (hg19) VCF-style: chr17-63554087-G-C.
Other names: c.652C>G (LRG_296t1); c.652C>G, p.Leu218Val (NM_001363813.1); short protein forms L218V.
Identifiers: ClinVar variation 464636 (VCV000464636.23), dbSNP rs766935285, ClinGen allele CA8719013.

ClinVar aggregate classification (germline): Conflicting classifications of pathogenicity. Review status: criteria provided, conflicting classifications (1 of 4 stars). 8 submissions from 7 submitters: Uncertain significance (5); Benign (1); Likely benign (1). 1 of the submissions does not count toward it. Last evaluated 2026-01-14.

Conditions:
Colorectal cancer. Also called: Colorectal cancer, somatic; Malignant Colorectal Neoplasm. Identifiers: MedGen C0346629, MONDO:0005575, OMIM 114500.
Oligodontia-cancer predisposition syndrome. Also called: TOOTH AGENESIS-COLORECTAL CANCER SYNDROME. Identifiers: Orphanet 300576, MedGen C1837750, MONDO:0012075, OMIM 608615. Disease mechanism: loss of function.
AXIN2-related disorder.
Hereditary cancer-predisposing syndrome. Also called: Neoplastic Syndromes, Hereditary; Tumor predisposition; Hereditary neoplastic syndrome; Hereditary Cancer Syndrome. Identifiers: Orphanet 140162, MedGen C0027672, MeSH D009386, MONDO:0015356.

Allele frequency attached by ClinVar (database versions not stated): gnomAD 0.00001; TOPMed 0.00002.
gnomAD v4.1: 14 of 1,614,008 alleles (0.00087%); highest among the groups gnomAD compares: Admixed American, 0.015%; no homozygotes.

Submissions (8):

Labcorp Genetics (formerly Invitae), Labcorp
Classification: Uncertain significance for Oligodontia-cancer predisposition syndrome. Last evaluated: 2026-01-14. Review status: criteria provided, single submitter. Criteria: Invitae Variant Classification Sherloc (09022015). Collection method: clinical testing. Allele origin: germline.
Comment: This sequence change replaces leucine, which is neutral and non-polar, with valine, which is neutral and non-polar, at codon 218 of the AXIN2 protein (p.Leu218Val). This variant is present in population databases (rs766935285, gnomAD 0.02%). This variant has not been reported in the literature in individuals affected with AXIN2-related conditions. ClinVar contains an entry for this variant (Variation ID: 464636). Invitae Evidence Modeling of protein sequence and biophysical properties (such as structural, functional, and spatial information, amino acid conservation, physicochemical variation, residue mobility, and thermodynamic stability) has been performed for this missense variant. However, the output from this modeling did not meet the statistical confidence thresholds required to predict the impact of this variant on AXIN2 protein function. In summary, the available evidence is currently insufficient to determine the role of this variant in disease. Therefore, it has been classified as a Variant of Uncertain Significance.

Ambry Genetics
Classification: Benign for Hereditary cancer-predisposing syndrome. Last evaluated: 2025-06-09. Review status: criteria provided, single submitter. Criteria: Ambry Variant Classification Scheme 2023. Collection method: clinical testing. Allele origin: germline.

Dasa
Classification: Uncertain significance. Last evaluated: 2025-06-09. Review status: criteria provided, single submitter. Criteria: DASA Assertion Criteria. Collection method: clinical testing. Allele origin: germline.
Comment: NM_004655.4(AXIN2):c.652C>G (p.Leu218Val) is a missense variant that results in the substitution of leucine with valine. This variant is rare in population databases. Computational prediction algorithms are consistent with a benign effect. The currently available literature and clinical evidence are not sufficient to establish a definitive association between this variant and the reported condition. Therefore, this variant is classified as a variant of uncertain significance.

Quest Diagnostics Nichols Institute San Juan Capistrano
Classification: Uncertain significance. Last evaluated: 2025-04-23. Review status: criteria provided, single submitter. Criteria: Quest Diagnostics criteria. Collection method: clinical testing. Allele origin: unknown.
Comment: The AXIN2 c.652C>G (p.Leu218Val) variant has not been reported in individuals with AXIN2-related conditions in the published literature. The frequency of this variant in the general population (Genome Aggregation Database) is higher than would generally be expected for pathogenic variants in this gene. Analysis of this variant using bioinformatics tools for the prediction of the effect of amino acid changes on protein structure and function yielded predictions that this variant is benign. Based on the available information, we are unable to determine the clinical significance of this variant.

Baylor Genetics
Classification: Uncertain significance for Colorectal cancer. Last evaluated: 2024-03-17. Review status: criteria provided, single submitter. Criteria: ACMG Guidelines, 2015. Collection method: clinical testing. Allele origin: unknown.

Sema4
Classification: Likely benign for Hereditary cancer-predisposing syndrome. Last evaluated: 2020-12-28. Review status: criteria provided, single submitter. Criteria: Sema4 Curation Guidelines. Collection method: curation. Allele origin: germline.

Baylor Genetics
Classification: Uncertain significance for Oligodontia-cancer predisposition syndrome. Last evaluated: 2019-02-21. Review status: criteria provided, single submitter. Criteria: ACMG Guidelines, 2015. Collection method: clinical testing. Allele origin: paternal. Affected: yes. Study: CSER-TexasKidsCanSeq.
Comment: This variant was determined to be of uncertain significance according to ACMG Guidelines, 2015 [PMID:25741868].

PreventionGenetics, part of Exact Sciences
Classification: Uncertain significance for AXIN2-related condition. Last evaluated: 2024-09-06. Review status: no assertion criteria provided. Collection method: clinical testing. Allele origin: germline. Not counted in ClinVar's aggregate classification.
Comment: The AXIN2 c.652C>G variant is predicted to result in the amino acid substitution p.Leu218Val. To our knowledge, this variant has not been reported in the literature. This variant is reported in 0.023% of alleles in individuals of Latino descent in gnomAD, which may be too common to be a primary cause of disease. This variant has conflicting interpretations of pathogenicity in ClinVar ranging from likely benign to uncertain significance. Although we suspect that this variant may be benign, at this time, the clinical significance of this variant is uncertain due to the absence of conclusive functional and genetic evidence.